The following is an entry in ClinVar:

NM_000052.7(ATP7A):c.1166A>G (p.Asn389Ser)

Gene: ATP7A (ATPase copper transporting alpha; plus strand). Cytogenetic location: Xq21.1.
Variant type: single nucleotide variant.
Coding change: c.1166A>G on transcript NM_000052.7 (MANE Select); coding-DNA position 1166, A replaced by G.
Protein change: p.Asn389Ser; replaces asparagine 389 with serine.
Molecular consequence: missense variant.
Genome position (GRCh38, 1-based): chrX:77,989,788, A>G. VCF-style: chrX-77989788-A-G. GRCh37 (hg19) VCF-style: chrX-77245284-A-G.
Other names: c.1166A>G, p.Asn389Ser (NM_001282224.2); short protein forms N389S.
Identifiers: ClinVar variation 2010926 (VCV002010926.4), dbSNP rs2522294879, ClinGen allele CA413601958.

ClinVar aggregate classification (germline): Uncertain significance (1 of 4 stars; one submission).

Conditions:
Menkes kinky-hair syndrome (MNK). Also called: Copper transport disease; Menkes Disease; Classic Menkes Disease. Identifiers: Orphanet 565, MedGen C0022716, MONDO:0010651, OMIM 309400.
Cutis laxa, X-linked (OHS). Also called: EDS IX; Occipital horn syndrome. Identifiers: Orphanet 198, MedGen C0268353, MONDO:0010572, OMIM 304150.
X-linked distal spinal muscular atrophy type 3. Also called: ATP7A-Related Distal Motor Neuropathy; SPINAL MUSCULAR ATROPHY, DISTAL, X-LINKED RECESSIVE; NEURONOPATHY, DISTAL HEREDITARY MOTOR, X-LINKED; NEUROPATHY, DISTAL HEREDITARY MOTOR, X-LINKED. Identifiers: Orphanet 139557, MedGen C1845359, MONDO:0010338, OMIM 300489.

Submission:

Labcorp Genetics (formerly Invitae), Labcorp
Classification: Uncertain significance for X-linked distal spinal muscular atrophy type 3; Cutis laxa, X-linked; Menkes kinky-hair syndrome. Last evaluated: 2022-06-26. Review status: criteria provided, single submitter. Criteria: Invitae Variant Classification Sherloc (09022015). Collection method: clinical testing. Allele origin: germline.
Comment: This sequence change replaces asparagine, which is neutral and polar, with serine, which is neutral and polar, at codon 389 of the ATP7A protein (p.Asn389Ser). This variant is not present in population databases (gnomAD no frequency). This variant has not been reported in the literature in individuals affected with ATP7A-related conditions. Advanced modeling of protein sequence and biophysical properties (such as structural, functional, and spatial information, amino acid conservation, physicochemical variation, residue mobility, and thermodynamic stability) performed at Invitae indicates that this missense variant is not expected to disrupt ATP7A protein function. In summary, the available evidence is currently insufficient to determine the role of this variant in disease. Therefore, it has been classified as a Variant of Uncertain Significance.